The following is an entry in ClinVar:

NM_000168.6(GLI3):c.1696C>T (p.His566Tyr)

Gene: GLI3 (GLI family zinc finger 3; minus strand). Cytogenetic location: 7p14.1.
Variant type: single nucleotide variant.
Coding change: c.1696C>T on transcript NM_000168.6 (MANE Select); coding-DNA position 1696, C replaced by T.
Protein change: p.His566Tyr; replaces histidine 566 with tyrosine.
Molecular consequence: missense variant.
Genome position (GRCh38, 1-based): chr7:41,977,674, G>A on the plus strand (C>T on the coding strand, the complement: GLI3 is on the minus strand). VCF-style: chr7-41977674-G-A. GRCh37 (hg19) VCF-style: chr7-42017273-G-A.
Other names: short protein forms H566Y.
Identifiers: ClinVar variation 3253510 (VCV003253510.1), dbSNP rs2484444115.

ClinVar aggregate classification (germline): Uncertain significance (1 of 4 stars; one submission).

Submission:

GeneDx
Classification: Uncertain significance. Last evaluated: 2023-08-04. Review status: criteria provided, single submitter. Criteria: GeneDx Variant Classification Process June 2021. Collection method: clinical testing. Allele origin: germline. Affected: yes.
Comment: Not observed at significant frequency in large population cohorts (gnomAD); In silico analysis supports that this missense variant has a deleterious effect on protein structure/function; Has not been previously published as pathogenic or benign to our knowledge